The following is an entry in ClinVar:

NM_001424.6(EMP2):c.28G>A (p.Ala10Thr)

Gene: EMP2 (epithelial membrane protein 2; minus strand). Cytogenetic location: 16p13.13.
Variant type: single nucleotide variant.
Coding change: c.28G>A on transcript NM_001424.6 (MANE Select); coding-DNA position 28, G replaced by A.
Protein change: p.Ala10Thr; replaces alanine 10 with threonine.
Molecular consequence: missense variant.
Genome position (GRCh38, 1-based): chr16:10,547,590, C>T on the plus strand (G>A on the coding strand, the complement: EMP2 is on the minus strand). VCF-style: chr16-10547590-C-T. GRCh37 (hg19) VCF-style: chr16-10641447-C-T.
Other names: short protein forms A10T.
Identifiers: ClinVar variation 139533 (VCV000139533.5), dbSNP rs587777482, ClinGen allele CA163240.

ClinVar aggregate classification (germline): Uncertain significance. Review status: criteria provided, single submitter (1 of 4 stars). 2 submissions from 2 submitters: Uncertain significance (1). 1 of the submissions does not count toward it. Last evaluated 2021-12-18.

Conditions:
Nephrotic syndrome, type 10 (NPHS10). Identifiers: MedGen C4014507, MONDO:0014373, OMIM 615861.

Allele frequency attached by ClinVar (database versions not stated): gnomAD 0.00007 and 0.00008; gnomAD exomes 0.00008 and 0.00012; TOPMed 0.00008; ExAC 0.00010.
gnomAD v4.1: 130 of 1,613,872 alleles (0.0081%); highest among the groups gnomAD compares: African/African-American, 0.015%; no homozygotes.

Submissions (2):

Labcorp Genetics (formerly Invitae), Labcorp
Classification: Uncertain significance. Last evaluated: 2021-12-18. Review status: criteria provided, single submitter. Criteria: Invitae Variant Classification Sherloc (09022015). Collection method: clinical testing. Allele origin: germline.
Comment: This sequence change replaces alanine, which is neutral and non-polar, with threonine, which is neutral and polar, at codon 10 of the EMP2 protein (p.Ala10Thr). This variant is present in population databases (rs587777482, gnomAD 0.1%). In summary, the available evidence is currently insufficient to determine the role of this variant in disease. Therefore, it has been classified as a Variant of Uncertain Significance. Experimental studies have shown that this missense change affects EMP2 function (PMID: 24814193). Algorithms developed to predict the effect of missense changes on protein structure and function (SIFT, PolyPhen-2, Align-GVGD) all suggest that this variant is likely to be tolerated. ClinVar contains an entry for this variant (Variation ID: 139533). This missense change has been observed in individual(s) with Nephrotic syndrome (PMID: 24814193).

OMIM
Classification: Pathogenic for NEPHROTIC SYNDROME, TYPE 10. Last evaluated: 2014-06-05. Review status: no assertion criteria provided. Collection method: literature only. Allele origin: germline. Not counted in ClinVar's aggregate classification.

Literature cited by the submitters: PubMed 24814193 (cited by Labcorp Genetics (formerly Invitae), Labcorp and OMIM).